The following is an entry in ClinVar:

ClinVar aggregate classification (germline): Uncertain significance. Review status: criteria provided, multiple submitters, no conflicts (2 of 4 stars). 2 submissions from 2 submitters: Uncertain significance (2). Last evaluated 2024-10-18.

Conditions:
Inborn genetic diseases. Identifiers: MedGen C0950123, MeSH D030342.
Glycogen storage disease due to muscle beta-enolase deficiency (GSD13). Also called: Glycogen Storage Disease Type XIII; ENOLASE 3 DEFICIENCY; ENOLASE-BETA DEFICIENCY; GSD XIII. Identifiers: Orphanet 99849, MedGen C2752027, MONDO:0013046, OMIM 612932.

Allele frequency attached by ClinVar (database versions not stated): TOPMed below 0.00001; gnomAD 0.00001; gnomAD exomes 0.00001; ExAC 0.00002.
gnomAD v4.1: 19 of 1,614,048 alleles (0.0012%); highest among the groups gnomAD compares: East Asian, 0.0045%; no homozygotes.

Submissions (2):

Labcorp Genetics (formerly Invitae), Labcorp
Classification: Uncertain significance for Glycogen storage disease due to muscle beta-enolase deficiency. Last evaluated: 2024-10-18. Review status: criteria provided, single submitter. Criteria: Invitae Variant Classification Sherloc (09022015). Collection method: clinical testing. Allele origin: germline.
Comment: This sequence change replaces arginine, which is basic and polar, with histidine, which is basic and polar, at codon 372 of the ENO3 protein (p.Arg372His). This variant is present in population databases (rs773328325, gnomAD 0.02%). This variant has not been reported in the literature in individuals affected with ENO3-related conditions. ClinVar contains an entry for this variant (Variation ID: 1992272). Invitae Evidence Modeling of protein sequence and biophysical properties (such as structural, functional, and spatial information, amino acid conservation, physicochemical variation, residue mobility, and thermodynamic stability) indicates that this missense variant is expected to disrupt ENO3 protein function with a positive predictive value of 80%. In summary, the available evidence is currently insufficient to determine the role of this variant in disease. Therefore, it has been classified as a Variant of Uncertain Significance.

Ambry Genetics
Classification: Uncertain significance for Inborn genetic diseases. Last evaluated: 2022-11-18. Review status: criteria provided, single submitter. Criteria: Ambry Variant Classification Scheme 2023. Collection method: clinical testing. Allele origin: germline.

NM_053013.4(ENO3):c.1115G>A (p.Arg372His)

Gene: ENO3 (enolase 3; plus strand). Cytogenetic location: 17p13.2.
Variant type: single nucleotide variant.
Coding change: c.1115G>A on transcript NM_053013.4 (MANE Select); coding-DNA position 1115, G replaced by A.
Protein change: p.Arg372His; replaces arginine 372 with histidine.
Molecular consequence: missense variant.
Genome position (GRCh38, 1-based): chr17:4,956,620, G>A. VCF-style: chr17-4956620-G-A. GRCh37 (hg19) VCF-style: chr17-4859915-G-A.
Other names: c.986G>A, p.Arg329His (NM_001193503.2); c.1115G>A, p.Arg372His (NM_001374523.1, NM_001976.5); c.1142G>A, p.Arg381His (NM_001374524.1); short protein forms R329H, R372H, R381H.
Identifiers: ClinVar variation 1992272 (VCV001992272.4), dbSNP rs773328325, ClinGen allele CA8316558.
Genomic context (GRCh38, chr17:4,956,620, plus strand): 5'-CCTCTCCACTCAGGTGCAAACTGGCTCAGTCTAATGGCTGGGGGGTGATGGTGAGCCACC[G>A]CTCTGGGGAGACTGAGGACACATTCATTGCTGACCTTGTGGTGGGGCTCTGCACAGGACA-3'
Protein context (NP_443739.3, residues 362-382): SNGWGVMVSH[Arg372His]SGETEDTFIA